The following is an entry in ClinVar:

NM_000552.5(VWF):c.4888G>A (p.Val1630Met)

Gene: VWF (von Willebrand factor; minus strand). Cytogenetic location: 12p13.31.
Variant type: single nucleotide variant.
Coding change: c.4888G>A on transcript NM_000552.5 (MANE Select); coding-DNA position 4888, G replaced by A.
Protein change: p.Val1630Met; replaces valine 1630 with methionine.
Molecular consequence: missense variant.
Genome position (GRCh38, 1-based): chr12:6,018,530, C>T on the plus strand (G>A on the coding strand, the complement: VWF is on the minus strand). VCF-style: chr12-6018530-C-T. GRCh37 (hg19) VCF-style: chr12-6127696-C-T.
Other names: short protein forms V1630M.
Identifiers: ClinVar variation 3766831 (VCV003766831.1).

ClinVar aggregate classification (germline): Uncertain significance (1 of 4 stars; one submission).

gnomAD v4.1: 1 of 1,613,946 alleles (0.000062%); no homozygotes.

Submission:

ARUP Laboratories, Molecular Genetics and Genomics, ARUP Laboratories
Classification: Uncertain significance. Last evaluated: 2023-12-26. Review status: criteria provided, single submitter. Criteria: ARUP Molecular Germline Variant Investigation Process 2024. Collection method: clinical testing. Allele origin: germline.
Comment: The VWF c.4888G>A; p.Val1630Met variant is reported in the literature in an individual affected with von Willebrand disease type 2A (Veyradier 2016). This variant is also absent from the Genome Aggregation Database (v2.1.1), indicating it is not a common polymorphism. Computational analyses are uncertain whether this variant is neutral or deleterious (REVEL: 0.664). Due to limited information, the clinical significance of this variant is uncertain at this time. References: Veyradier A et al. A Laboratory Phenotype/Genotype Correlation of 1167 French Patients From 670 Families With von Willebrand Disease: A New Epidemiologic Picture. Medicine (Baltimore). 2016 Mar;95(11):e3038. PMID: 26986123.